The following is an entry in ClinVar:

NM_004415.4(DSP):c.3085-5C>T

Gene: DSP (desmoplakin; plus strand). Cytogenetic location: 6p24.3.
Variant type: single nucleotide variant.
Coding change: c.3085-5C>T on transcript NM_004415.4 (MANE Select); 5 bases into the intron before coding-DNA position 3085, C replaced by T.
Molecular consequence: intron variant.
Genome position (GRCh38, 1-based): chr6:7,579,270, C>T. VCF-style: chr6-7579270-C-T. GRCh37 (hg19) VCF-style: chr6-7579503-C-T.
Other names: c.3085-5C>T (NM_001319034.2, NM_001008844.3).
Identifiers: ClinVar variation 3073242 (VCV003073242.1), dbSNP rs2533922142, ClinGen allele CA2578524470.
Genomic context (GRCh38, chr6:7,579,270, plus strand): 5'-TACTGCTTCTTTCTTGGAATGTGAGGTGTTTTTCTTTTGACATAATCTCTGATTTCATTC[C>T]ACAGCTGAAAAATACCAAGATCGAAGTTTTGGAAGAGGAGCTCAGACTGGCCCGAGATGC-3'

ClinVar aggregate classification (germline): Likely benign (1 of 4 stars; one submission).

Conditions:
Arrhythmogenic cardiomyopathy with wooly hair and keratoderma. Also called: PALMOPLANTAR KERATODERMA WITH LEFT VENTRICULAR CARDIOMYOPATHY AND WOOLLY HAIR; Carvajal syndrome; Dilated cardiomyopathy with woolly hair and keratoderma; Arrhythmogenic cardiomyopathy with woolly hair and keratoderma. Identifiers: Orphanet 65282, MedGen C1854063, MONDO:0011581, OMIM 605676.

Submission:

All of Us Research Program, National Institutes of Health
Classification: Likely benign for Arrhythmogenic cardiomyopathy with wooly hair and keratoderma. Last evaluated: 2023-08-28. Review status: criteria provided, single submitter. Criteria: ACMG Guidelines, 2015. Collection method: clinical testing. Allele origin: germline. Inheritance: Autosomal dominant inheritance. Observed: 1 variant allele, 1 heterozygote.
Comment: This study involves interpretation of variants in research participants for the purpose of population health screening. Participant phenotype was not available at the time of variant classification. Additional details can be found in publication PMID: 35346344, PMCID: PMC8962531